The following is an entry in ClinVar:

ClinVar aggregate classification (germline): Uncertain significance (1 of 4 stars; one submission).

Submission:

Labcorp Genetics (formerly Invitae), Labcorp
Classification: Uncertain significance. Last evaluated: 2025-12-01. Review status: criteria provided, single submitter. Criteria: Invitae Variant Classification Sherloc (09022015). Collection method: clinical testing. Allele origin: germline.
Comment: This sequence change replaces asparagine, which is neutral and polar, with aspartic acid, which is acidic and polar, at codon 673 of the FOXP1 protein (p.Asn673Asp). This variant is not present in population databases (gnomAD no frequency). This variant has not been reported in the literature in individuals affected with FOXP1-related conditions. ClinVar contains an entry for this variant (Variation ID: 3730187). Invitae Evidence Modeling of protein sequence and biophysical properties (such as structural, functional, and spatial information, amino acid conservation, physicochemical variation, residue mobility, and thermodynamic stability) indicates that this missense variant is not expected to disrupt FOXP1 protein function with a negative predictive value of 80%. In summary, the available evidence is currently insufficient to determine the role of this variant in disease. Therefore, it has been classified as a Variant of Uncertain Significance.

NM_001349338.3(FOXP1):c.2017A>G (p.Asn673Asp)

Gene: FOXP1 (forkhead box P1; minus strand). Cytogenetic location: 3p13.
Variant type: single nucleotide variant.
Coding change: c.2017A>G on transcript NM_001349338.3 (MANE Select); coding-DNA position 2017, A replaced by G.
Protein change: p.Asn673Asp; replaces asparagine 673 with aspartic acid.
Molecular consequence: missense variant. On other transcripts: non-coding transcript variant (2).
Genome position (GRCh38, 1-based): chr3:70,959,264, T>C on the plus strand (A>G on the coding strand, the complement: FOXP1 is on the minus strand). VCF-style: chr3-70959264-T-C. GRCh37 (hg19) VCF-style: chr3-71008415-T-C.
Other names: c.2014A>G, p.Asn672Asp (NM_001244808.3, NM_001349341.3); c.2065A>G, p.Asn689Asp (NM_001244810.2); c.1789A>G, p.Asn597Asp (NM_001244812.3); c.1717A>G, p.Asn573Asp (NM_001244813.3, NM_001244815.2, NM_001349342.3); c.2017A>G, p.Asn673Asp (NM_001244814.3, NM_001244816.2, NM_001349340.3 and 1 more transcripts); c.1714A>G, p.Asn572Asp (NM_001349337.2, NM_001349343.3, NM_001349344.3 and 1 more transcripts); short protein forms N573D, N673D, N689D, N572D, N672D, N597D.
Identifiers: ClinVar variation 3730187 (VCV003730187.2).